The following is an entry in ClinVar:

NM_000138.5(FBN1):c.4383C>A (p.Cys1461Ter)

Gene: FBN1 (fibrillin 1; minus strand). Cytogenetic location: 15q21.1.
Variant type: single nucleotide variant.
Coding change: c.4383C>A on transcript NM_000138.5 (MANE Select); coding-DNA position 4383, C replaced by A.
Protein change: p.Cys1461Ter; replaces cysteine 1461 with a stop codon.
Molecular consequence: nonsense.
Genome position (GRCh38, 1-based): chr15:48,470,710, G>T on the plus strand (C>A on the coding strand, the complement: FBN1 is on the minus strand). VCF-style: chr15-48470710-G-T. GRCh37 (hg19) VCF-style: chr15-48762907-G-T.
Other names: c.4383C>A, p.Cys1461Ter (NM_001406716.1); short protein forms C1461*.
Identifiers: ClinVar variation 3759687 (VCV003759687.2).

ClinVar aggregate classification (germline): Pathogenic (1 of 4 stars; one submission).

Conditions:
Marfan syndrome (MFS). Also called: MARFAN SYNDROME, TYPE I; Marfan syndrome type 1; Marfan's syndrome; Marfan syndrome, classic; FBN1-Related Marfan Syndrome. Identifiers: Orphanet 284963, Orphanet 558, MedGen C0024796, MONDO:0007947, OMIM 154700.
Familial thoracic aortic aneurysm and aortic dissection (TAAD). Also called: Thoracic aortic aneurysms and dissections. Identifiers: Orphanet 91387, MedGen C4707243, MONDO:0019625.

Submission:

Labcorp Genetics (formerly Invitae), Labcorp
Classification: Pathogenic for Marfan syndrome; Familial thoracic aortic aneurysm and aortic dissection. Last evaluated: 2024-11-03. Review status: criteria provided, single submitter. Criteria: Invitae Variant Classification Sherloc (09022015). Collection method: clinical testing. Allele origin: germline.
Comment: This sequence change creates a premature translational stop signal (p.Cys1461*) in the FBN1 gene. It is expected to result in an absent or disrupted protein product. Loss-of-function variants in FBN1 are known to be pathogenic (PMID: 17657824, 19293843). This variant is not present in population databases (gnomAD no frequency). This variant has not been reported in the literature in individuals affected with FBN1-related conditions. For these reasons, this variant has been classified as Pathogenic.

Literature cited by the submitters: PubMed 17657824; PubMed 19293843.